The following is an entry in ClinVar:

NM_006379.5(SEMA3C):c.1762A>G (p.Thr588Ala)

Gene: SEMA3C (semaphorin 3C; minus strand). Cytogenetic location: 7q21.11.
Variant type: single nucleotide variant.
Coding change: c.1762A>G on transcript NM_006379.5 (MANE Select); coding-DNA position 1762, A replaced by G.
Protein change: p.Thr588Ala; replaces threonine 588 with alanine.
Molecular consequence: missense variant.
Genome position (GRCh38, 1-based): chr7:80,748,978, T>C on the plus strand (A>G on the coding strand, the complement: SEMA3C is on the minus strand). VCF-style: chr7-80748978-T-C. GRCh37 (hg19) VCF-style: chr7-80378294-T-C.
Other names: c.1816A>G, p.Thr606Ala (NM_001350120.2); c.1588A>G, p.Thr530Ala (NM_001350121.2); c.1816A>G (NM_001350120.1); short protein forms T530A, T606A, T588A.
Identifiers: ClinVar variation 2378173 (VCV002378173.6), dbSNP rs149923462, ClinGen allele CA4315987.
Genomic context (GRCh38, chr7:80,748,978, plus strand): 5'-CTTTCTGTAACAGCCACTTGATAGATGCCTGCGGAGACTTGGGGGCACACTCCAGAAAAG[T>C]GGTGTTATTTTTTACTCCATACTGGACAATTTCAGCTGCATTTCTGTATGCTAGCAGGCA-3'
Protein context (NP_006370.1, residues 578-598): IVQYGVKNNT[Thr588Ala]FLECAPKSPQ

ClinVar aggregate classification (germline): Uncertain significance. Review status: criteria provided, single submitter (1 of 4 stars). 2 submissions from 2 submitters: Uncertain significance (1). 1 of the submissions does not count toward it. Last evaluated 2025-02-03.

Conditions:
SEMA3C-related disorder. Also called: SEMA3C-related condition.

Allele frequency attached by ClinVar (database versions not stated): gnomAD 0.00015; gnomAD exomes 0.00019; TOPMed 0.00019; 1000 Genomes Project 0.00020; ExAC 0.00020; 1000 Genomes Project 30x 0.00031; ESP Exome Variant Server 0.00038.
gnomAD v4.1: 302 of 1,613,368 alleles (0.019%); highest among the groups gnomAD compares: Non-Finnish European, 0.024%; no homozygotes.

Submissions (2):

Ambry Genetics
Classification: Uncertain significance. Last evaluated: 2025-02-03. Review status: criteria provided, single submitter. Criteria: Ambry Variant Classification Scheme 2023. Collection method: clinical testing. Allele origin: germline.

PreventionGenetics, part of Exact Sciences
Classification: Uncertain significance for SEMA3C-related condition. Last evaluated: 2024-06-11. Review status: no assertion criteria provided. Collection method: clinical testing. Allele origin: germline. Not counted in ClinVar's aggregate classification.
Comment: The SEMA3C c.1816A>G variant is predicted to result in the amino acid substitution p.Thr606Ala. To our knowledge, this variant has not been reported in the literature. This variant is reported in 0.028% of alleles in individuals of European (Non-Finnish) descent in gnomAD. At this time, the clinical significance of this variant is uncertain due to the absence of conclusive functional and genetic evidence.